The following is an entry in ClinVar:

ClinVar aggregate classification (germline): Uncertain significance (1 of 4 stars; one submission).

Conditions:
Deafness-lymphedema-leukemia syndrome. Also called: Lymphedema, primary, with myelodysplasia; Emberger syndrome. Identifiers: Orphanet 3226, MedGen C3279664, MONDO:0013540, OMIM 614038.
Monocytopenia with susceptibility to infections. Also called: MONOCYTOPENIA AND MYCOBACTERIAL INFECTION SYNDROME; MONOCYTOPENIA WITH SUSCEPTIBILITY TO MYCOBACTERIAL, FUNGAL, AND PAPILLOMAVIRUS INFECTIONS AND MYELODYSPLASIA; COMBINED IMMUNODEFICIENCY WITH SUSCEPTIBILITY TO MYCOBACTERIAL, VIRAL, AND FUNGAL INFECTIONS; Dendritic cell, monocyte, B lymphocyte, and natural killer lymphocyte deficiency; IMMUNODEFICIENCY 21; GATA2 DEFICIENCY. Identifiers: Orphanet 228423, MedGen C3280030, MONDO:0013607, OMIM 614172.

gnomAD v4.1: 1 of 1,564,518 alleles (0.000064%); highest among the groups gnomAD compares: Non-Finnish European, 0.000087%; no homozygotes.

Submission:

Labcorp Genetics (formerly Invitae), Labcorp
Classification: Uncertain significance for Monocytopenia with susceptibility to infections; Deafness-lymphedema-leukemia syndrome. Last evaluated: 2024-12-08. Review status: criteria provided, single submitter. Criteria: Invitae Variant Classification Sherloc (09022015). Collection method: clinical testing. Allele origin: germline.
Comment: This sequence change replaces serine, which is neutral and polar, with glycine, which is neutral and non-polar, at codon 119 of the GATA2 protein (p.Ser119Gly). This variant is not present in population databases (gnomAD no frequency). This variant has not been reported in the literature in individuals affected with GATA2-related conditions. Invitae Evidence Modeling of protein sequence and biophysical properties (such as structural, functional, and spatial information, amino acid conservation, physicochemical variation, residue mobility, and thermodynamic stability) indicates that this missense variant is not expected to disrupt GATA2 protein function with a negative predictive value of 95%. In summary, the available evidence is currently insufficient to determine the role of this variant in disease. Therefore, it has been classified as a Variant of Uncertain Significance.

NM_032638.5(GATA2):c.355A>G (p.Ser119Gly)

Gene: GATA2 (GATA binding protein 2; minus strand). Cytogenetic location: 3q21.3.
Variant type: single nucleotide variant.
Coding change: c.355A>G on transcript NM_032638.5 (MANE Select); coding-DNA position 355, A replaced by G.
Protein change: p.Ser119Gly; replaces serine 119 with glycine.
Molecular consequence: missense variant.
Genome position (GRCh38, 1-based): chr3:128,486,243, T>C on the plus strand (A>G on the coding strand, the complement: GATA2 is on the minus strand). VCF-style: chr3-128486243-T-C. GRCh37 (hg19) VCF-style: chr3-128205086-T-C.
Other names: c.355A>G, p.Ser119Gly (NM_001145661.2, NM_001145662.1); short protein forms S119G.
Identifiers: ClinVar variation 3753913 (VCV003753913.2).
Genomic context (GRCh38, chr3:128,486,243, plus strand): 5'-AGAGTGGGCCTCCAGGGCCTCCAGCAGCTGAGGGGTGCAGTGGCGTCTTGGAGAAGGGGC[T>C]CACGGTCCAGGGGTTGTGGTGGTGGGCCGCAGCGGCAGAGAGGGCTGCTTTGCCCCCGTC-3'
Protein context (NP_116027.2, residues 109-129): AAHHHNPWTV[Ser119Gly]PFSKTPLHPS